The following is an entry in ClinVar:

NM_014633.5(CTR9):c.2690C>G (p.Ala897Gly)

Gene: CTR9 (CTR9 component of Paf1/RNA polymerase II complex; plus strand). Cytogenetic location: 11p15.4.
Variant type: single nucleotide variant.
Coding change: c.2690C>G on transcript NM_014633.5 (MANE Select); coding-DNA position 2690, C replaced by G.
Protein change: p.Ala897Gly; replaces alanine 897 with glycine.
Molecular consequence: missense variant.
Genome position (GRCh38, 1-based): chr11:10,773,236, C>G. VCF-style: chr11-10773236-C-G. GRCh37 (hg19) VCF-style: chr11-10794783-C-G.
Other names: c.2618C>G, p.Ala873Gly (NM_001346279.2); c.2690C>G (NM_014633.3); short protein forms A873G, A897G.
Identifiers: ClinVar variation 2886577 (VCV002886577.4), dbSNP rs763337986, ClinGen allele CA5885384.

ClinVar aggregate classification (germline): Uncertain significance. Review status: criteria provided, multiple submitters, no conflicts (2 of 4 stars). 2 submissions from 2 submitters: Uncertain significance (2). Last evaluated 2025-05-14.

Conditions:
Inborn genetic diseases. Identifiers: MedGen C0950123, MeSH D030342.

Allele frequency attached by ClinVar (database versions not stated): ExAC 0.00002; gnomAD 0.00002; TOPMed 0.00002.
gnomAD v4.1: 38 of 1,613,056 alleles (0.0024%); highest among the groups gnomAD compares: South Asian, 0.0066%; 1 homozygote.

Submissions (2):

Ambry Genetics
Classification: Uncertain significance for Inborn genetic diseases. Last evaluated: 2025-05-14. Review status: criteria provided, single submitter. Criteria: Ambry Variant Classification Scheme 2023. Collection method: clinical testing. Allele origin: germline.

Labcorp Genetics (formerly Invitae), Labcorp
Classification: Uncertain significance. Last evaluated: 2024-08-14. Review status: criteria provided, single submitter. Criteria: Invitae Variant Classification Sherloc (09022015). Collection method: clinical testing. Allele origin: germline.
Comment: This sequence change replaces alanine, which is neutral and non-polar, with glycine, which is neutral and non-polar, at codon 897 of the CTR9 protein (p.Ala897Gly). This variant is present in population databases (rs763337986, gnomAD 0.06%). This variant has not been reported in the literature in individuals affected with CTR9-related conditions. An algorithm developed to predict the effect of missense changes on protein structure and function outputs the following: PolyPhen-2: "Benign". The glycine amino acid residue is found in multiple mammalian species, which suggests that this missense change does not adversely affect protein function. In summary, the available evidence is currently insufficient to determine the role of this variant in disease. Therefore, it has been classified as a Variant of Uncertain Significance.